The following is an entry in ClinVar:

ClinVar aggregate classification (germline): Uncertain significance (1 of 4 stars; one submission).

Conditions:
Hereditary cancer-predisposing syndrome. Also called: Hereditary Cancer Syndrome; Neoplastic Syndromes, Hereditary; Tumor predisposition; Hereditary neoplastic syndrome. Identifiers: Orphanet 140162, MedGen C0027672, MeSH D009386, MONDO:0015356.

Submission:

Ambry Genetics
Classification: Uncertain significance for Hereditary cancer-predisposing syndrome. Last evaluated: 2026-08-27. Review status: criteria provided, single submitter. Criteria: Ambry Variant Classification Scheme 2023. Collection method: clinical testing. Allele origin: germline.
Comment: The p.I890N variant (also known as c.2669T>A), located in coding exon 22 of the EGFR gene, results from a T to A substitution at nucleotide position 2669. The isoleucine at codon 890 is replaced by asparagine, an amino acid with dissimilar properties. This amino acid position is conserved. In addition, the in silico prediction for this alteration is inconclusive. Based on the available evidence, the clinical significance of this variant remains unclear.

NM_005228.5(EGFR):c.2669T>A (p.Ile890Asn)

Gene: EGFR (epidermal growth factor receptor; plus strand). Cytogenetic location: 7p11.2.
Variant type: single nucleotide variant.
Coding change: c.2669T>A on transcript NM_005228.5 (MANE Select); coding-DNA position 2669, T replaced by A.
Protein change: p.Ile890Asn; replaces isoleucine 890 with asparagine.
Molecular consequence: missense variant.
Genome position (GRCh38, 1-based): chr7:55,192,809, T>A. VCF-style: chr7-55192809-T-A. GRCh37 (hg19) VCF-style: chr7-55260502-T-A.
Other names: c.2534T>A, p.Ile845Asn (NM_001346897.2, NM_001346899.2); c.2669T>A, p.Ile890Asn (NM_001346898.2); c.2510T>A, p.Ile837Asn (NM_001346900.2); c.1868T>A, p.Ile623Asn (NM_001346941.2); short protein forms I837N, I890N, I623N, I845N.
Identifiers: ClinVar variation 5035831 (VCV005035831.1).